The following is an entry in ClinVar:

ClinVar aggregate classification (germline): Uncertain significance. Review status: criteria provided, multiple submitters, no conflicts (2 of 4 stars). 3 submissions from 3 submitters: Uncertain significance (3). Last evaluated 2023-04-11.

Conditions:
Glycogen storage disease type III (GSD3). Also called: Cori disease; FORBES DISEASE. Identifiers: Orphanet 366, MedGen C0017922, MONDO:0009291, OMIM 232400.

Allele frequency attached by ClinVar (database versions not stated): gnomAD exomes below 0.00001; gnomAD 0.00001; TOPMed 0.00001; ExAC 0.00002.
gnomAD v4.1: 3 of 1,613,654 alleles (0.00019%); highest among the groups gnomAD compares: African/African-American, 0.004%; no homozygotes.

Submissions (3):

Genome-Nilou Lab
Classification: Uncertain significance for Glycogen storage disease type III. Last evaluated: 2023-04-11. Review status: criteria provided, single submitter. Criteria: ACMG Guidelines, 2015. Collection method: clinical testing. Allele origin: germline. Affected: no.

GeneDx
Classification: Uncertain significance. Last evaluated: 2022-08-29. Review status: criteria provided, single submitter. Criteria: GeneDx Variant Classification Process June 2021. Collection method: clinical testing. Allele origin: germline. Affected: yes.
Comment: Not observed at significant frequency in large population cohorts (gnomAD); In silico analysis supports that this missense variant has a deleterious effect on protein structure/function; Has not been previously published as pathogenic or benign to our knowledge

Labcorp Genetics (formerly Invitae), Labcorp
Classification: Uncertain significance for Glycogen storage disease type III. Last evaluated: 2022-04-09. Review status: criteria provided, single submitter. Criteria: Invitae Variant Classification Sherloc (09022015). Collection method: clinical testing. Allele origin: germline.
Comment: This sequence change replaces tyrosine, which is neutral and polar, with histidine, which is basic and polar, at codon 638 of the AGL protein (p.Tyr638His). This variant is present in population databases (rs747841111, gnomAD 0.01%). This variant has not been reported in the literature in individuals affected with AGL-related conditions. Algorithms developed to predict the effect of missense changes on protein structure and function (SIFT, PolyPhen-2, Align-GVGD) all suggest that this variant is likely to be tolerated. In summary, the available evidence is currently insufficient to determine the role of this variant in disease. Therefore, it has been classified as a Variant of Uncertain Significance.

NM_000642.3(AGL):c.1912T>C (p.Tyr638His)

Gene: AGL (amylo-alpha-1,6-glucosidase and 4-alpha-glucanotransferase; plus strand). Cytogenetic location: 1p21.2.
Variant type: single nucleotide variant.
Coding change: c.1912T>C on transcript NM_000642.3 (MANE Select); coding-DNA position 1912, T replaced by C.
Protein change: p.Tyr638His; replaces tyrosine 638 with histidine.
Molecular consequence: missense variant.
Genome position (GRCh38, 1-based): chr1:99,881,088, T>C. VCF-style: chr1-99881088-T-C. GRCh37 (hg19) VCF-style: chr1-100346644-T-C.
Other names: c.1912T>C, p.Tyr638His (NM_000028.3, NM_000643.3, NM_000644.3 and 2 more transcripts); c.1864T>C, p.Tyr622His (NM_000646.3); c.1711T>C, p.Tyr571His (NM_001425327.1); c.1708T>C, p.Tyr570His (NM_001425328.1, NM_001425329.1); c.1534T>C, p.Tyr512His (NM_001425332.1); short protein forms Y622H, Y638H, Y512H, Y570H, Y571H.
Identifiers: ClinVar variation 2196201 (VCV002196201.3), dbSNP rs747841111, ClinGen allele CA966642.